The following is an entry in ClinVar:

ClinVar aggregate classification (germline): Uncertain significance (1 of 4 stars; one submission).

Allele frequency attached by ClinVar (database versions not stated): gnomAD exomes below 0.00001.
gnomAD v4.1: 3 of 1,614,066 alleles (0.00019%); highest among the groups gnomAD compares: Non-Finnish European, 0.00025%; no homozygotes.

Submission:

GeneDx
Classification: Uncertain significance. Last evaluated: 2013-12-02. Review status: criteria provided, single submitter. Criteria: GeneDx Variant Classification (06012015). Collection method: clinical testing. Allele origin: germline. Affected: yes.
Comment: Missense variants in the TTN gene are considered 'unclassified' if they are not previously reported in the literature and do not have >1% frequency in the population to be considered a polymorphism. Research indicates that truncating mutations in the TTN gene are expected to account for approximately 25% of familial and 18% of sporadic idiopathic DCM; however, truncating variants in the TTN gene have been reported in approximately 3% of reported control alleles. There has been little investigation into non-truncating variants. (Herman D et al. Truncations of titin causing dilated cardiomyopathy. N Eng J Med 366:619-628, 2012) The variant is found in CARDIOMYOPATHY panel(s).

NM_001267550.2(TTN):c.3271C>G (p.Gln1091Glu)

Gene: TTN (titin; minus strand). Cytogenetic location: 2q31.2.
Variant type: single nucleotide variant.
Coding change: c.3271C>G on transcript NM_001267550.2 (MANE Select); coding-DNA position 3271, C replaced by G.
Protein change: p.Gln1091Glu; replaces glutamine 1091 with glutamic acid.
Molecular consequence: missense variant.
Genome position (GRCh38, 1-based): chr2:178,782,321, G>C on the plus strand (C>G on the coding strand, the complement: TTN is on the minus strand). VCF-style: chr2-178782321-G-C. GRCh37 (hg19) VCF-style: chr2-179647048-G-C.
Other names: p.Q1091E:CAG>GAG; c.3271C>G, p.Gln1091Glu (NM_001256850.1, NM_133378.4, NM_133379.5); c.3133C>G, p.Gln1045Glu (NM_003319.4, NM_133432.3, NM_133437.4); short protein forms Q1091E, Q1045E.
Identifiers: ClinVar variation 202974 (VCV000202974.2), dbSNP rs794729528, ClinGen allele CA310858.